The following is an entry in ClinVar:

NM_005751.5(AKAP9):c.3492A>G (p.Ile1164Met)

Gene: AKAP9 (A-kinase anchoring protein 9; plus strand). Cytogenetic location: 7q21.2.
Variant type: single nucleotide variant.
Coding change: c.3492A>G on transcript NM_005751.5 (MANE Select); coding-DNA position 3492, A replaced by G.
Protein change: p.Ile1164Met; replaces isoleucine 1164 with methionine.
Molecular consequence: missense variant.
Genome position (GRCh38, 1-based): chr7:92,012,602, A>G. VCF-style: chr7-92012602-A-G. GRCh37 (hg19) VCF-style: chr7-91641916-A-G.
Other names: c.3492A>G, p.Ile1164Met (NM_147185.3); short protein forms I1164M.
Identifiers: ClinVar variation 3652426 (VCV003652426.2).

ClinVar aggregate classification (germline): Uncertain significance (1 of 4 stars; one submission).

Conditions:
Long QT syndrome (LQTS). Identifiers: MedGen C0023976, MeSH D008133, MONDO:0002442. Disease mechanism: loss of function. Inheritance: Various modes of inheritance.

Submission:

Labcorp Genetics (formerly Invitae), Labcorp
Classification: Uncertain significance for Long QT syndrome. Last evaluated: 2024-05-06. Review status: criteria provided, single submitter. Criteria: Invitae Variant Classification Sherloc (09022015). Collection method: clinical testing. Allele origin: germline.
Comment: This sequence change replaces isoleucine, which is neutral and non-polar, with methionine, which is neutral and non-polar, at codon 1164 of the AKAP9 protein (p.Ile1164Met). This variant is not present in population databases (gnomAD no frequency). This variant has not been reported in the literature in individuals affected with AKAP9-related conditions. Algorithms developed to predict the effect of missense changes on protein structure and function output the following: SIFT: "Not Available"; PolyPhen-2: "Benign"; Align-GVGD: "Not Available". The methionine amino acid residue is found in multiple mammalian species, which suggests that this missense change does not adversely affect protein function. In summary, the available evidence is currently insufficient to determine the role of this variant in disease. Therefore, it has been classified as a Variant of Uncertain Significance.